The following is an entry in ClinVar:

NM_025137.4(SPG11):c.4129C>T (p.His1377Tyr)

Gene: SPG11 (SPG11 vesicle trafficking associated, spatacsin; minus strand). Cytogenetic location: 15q21.1.
Variant type: single nucleotide variant.
Coding change: c.4129C>T on transcript NM_025137.4 (MANE Select); coding-DNA position 4129, C replaced by T.
Protein change: p.His1377Tyr; replaces histidine 1377 with tyrosine.
Molecular consequence: missense variant.
Genome position (GRCh38, 1-based): chr15:44,596,816, G>A on the plus strand (C>T on the coding strand, the complement: SPG11 is on the minus strand). VCF-style: chr15-44596816-G-A. GRCh37 (hg19) VCF-style: chr15-44889014-G-A.
Other names: c.4129C>T, p.His1377Tyr (NM_001160227.2); short protein forms H1377Y.
Identifiers: ClinVar variation 1019228 (VCV001019228.6), dbSNP rs773499406, ClinGen allele CA7534759.

ClinVar aggregate classification (germline): Uncertain significance (1 of 4 stars; one submission).

Conditions:
Hereditary spastic paraplegia 11. Also called: SPASTIC PARAPLEGIA, AUTOSOMAL RECESSIVE, COMPLICATED, WITH THIN CORPUS CALLOSUM; SPASTIC PARAPLEGIA, AUTOSOMAL RECESSIVE, WITH MENTAL IMPAIRMENT AND THIN CORPUS CALLOSUM; Spastic Paraplegia 11; Spastic paraplegia, mental retardation and thin corpus callosum; Nakamura Osame syndrome; Autosomal recessive hereditary spastic paraplegia, mental impairment, and thin corpus callosum. Identifiers: Orphanet 2822, MedGen C1858479, MONDO:0011445, OMIM 604360.

Allele frequency attached by ClinVar (database versions not stated): gnomAD exomes below 0.00001 and 0.00001; ExAC 0.00001; TOPMed 0.00004; gnomAD 0.00005 and 0.00006.
gnomAD v4.1: 13 of 1,613,862 alleles (0.00081%); highest among the groups gnomAD compares: African/African-American, 0.017%; no homozygotes.

Submission:

Labcorp Genetics (formerly Invitae), Labcorp
Classification: Uncertain significance for Hereditary spastic paraplegia 11. Last evaluated: 2022-02-24. Review status: criteria provided, single submitter. Criteria: Invitae Variant Classification Sherloc (09022015). Collection method: clinical testing. Allele origin: germline.
Comment: This sequence change replaces histidine, which is basic and polar, with tyrosine, which is neutral and polar, at codon 1377 of the SPG11 protein (p.His1377Tyr). This variant is present in population databases (rs773499406, gnomAD 0.02%). This variant has not been reported in the literature in individuals affected with SPG11-related conditions. ClinVar contains an entry for this variant (Variation ID: 1019228). Algorithms developed to predict the effect of missense changes on protein structure and function are either unavailable or do not agree on the potential impact of this missense change (SIFT: "Tolerated"; PolyPhen-2: "Possibly Damaging"; Align-GVGD: "Class C0"). In summary, the available evidence is currently insufficient to determine the role of this variant in disease. Therefore, it has been classified as a Variant of Uncertain Significance.